The following is an entry in ClinVar:

ClinVar aggregate classification (germline): Uncertain significance (1 of 4 stars; one submission).

Submission:

Women's Health and Genetics/Laboratory Corporation of America, LabCorp
Classification: Uncertain significance. Last evaluated: 2026-06-02. Review status: criteria provided, single submitter. Criteria: LabCorp Variant Classification Summary - May 2015. Collection method: clinical testing. Allele origin: germline.
Comment: Variant summary: PIK3CA c.2013A>C (p.Leu671Phe) results in a non-conservative amino acid change in the encoded protein sequence. Algorithms developed to predict the effect of missense changes on protein structure and function all suggest that this variant is likely to be disruptive. Consensus agreement among computation tools predict no significant impact on normal splicing. However, these predictions have yet to be confirmed by functional studies. The variant was absent in 228748 control chromosomes. The available data on variant occurrences in the general population are insufficient to allow any conclusion about variant significance. To our knowledge, no occurrence of c.2013A>C in individuals affected with PIK3CA-related conditions and no experimental evidence demonstrating its impact on protein function have been reported. No submitters have cited clinical-significance assessments for this variant to ClinVar. Based on the evidence outlined above, the variant was classified as uncertain significance.

NM_006218.4(PIK3CA):c.2013A>C (p.Leu671Phe)

Gene: PIK3CA (phosphatidylinositol-4,5-bisphosphate 3-kinase catalytic subunit alpha; plus strand). Cytogenetic location: 3q26.32.
Variant type: single nucleotide variant.
Coding change: c.2013A>C on transcript NM_006218.4 (MANE Select); coding-DNA position 2013, A replaced by C.
Protein change: p.Leu671Phe; replaces leucine 671 with phenylalanine.
Molecular consequence: missense variant.
Genome position (GRCh38, 1-based): chr3:179,220,050, A>C. VCF-style: chr3-179220050-A-C. GRCh37 (hg19) VCF-style: chr3-178937838-A-C.
Other names: short protein forms L671F.
Identifiers: ClinVar variation 4887592 (VCV004887592.1).